The following is an entry in ClinVar:

ClinVar aggregate classification (germline): Pathogenic. Review status: criteria provided, multiple submitters, no conflicts (2 of 4 stars). 3 submissions from 3 submitters: Pathogenic (3). Last evaluated 2024-05-14.

Conditions:
Primary ciliary dyskinesia. Also called: Ciliary dyskinesia. Identifiers: Orphanet 244, MedGen C0008780, MONDO:0016575, HP:0012265.
Primary ciliary dyskinesia 3. Identifiers: Orphanet 244, MedGen C1837618, MONDO:0012085, OMIM 608644.

Submissions (3):

Myriad Genetics, Inc.
Classification: Pathogenic for Primary ciliary dyskinesia 3. Last evaluated: 2024-05-14. Review status: criteria provided, single submitter. Criteria: Myriad Autosomal Dominant, Autosomal Recessive and X-Linked Classification Criteria (2023). Collection method: clinical testing. Allele origin: unknown.
Comment: NM_001369.2(DNAH5):c.12397G>T(E4133*) is expected to be pathogenic in the context of primary ciliary dyskinesia, DNAH5-related. This variant is predicted to lead to an abnormal or absent protein product due to the creation of a premature termination codon in DNAH5, a gene where loss-of-function variants are known to be pathogenic. Please note: this variant was assessed in the context of healthy population screening.

Labcorp Genetics (formerly Invitae), Labcorp
Classification: Pathogenic for Primary ciliary dyskinesia. Last evaluated: 2023-12-05. Review status: criteria provided, single submitter. Criteria: Invitae Variant Classification Sherloc (09022015). Collection method: clinical testing. Allele origin: germline.
Comment: This sequence change creates a premature translational stop signal (p.Glu4133*) in the DNAH5 gene. It is expected to result in an absent or disrupted protein product. Loss-of-function variants in DNAH5 are known to be pathogenic (PMID: 11788826, 16627867). This variant is not present in population databases (gnomAD no frequency). This premature translational stop signal has been observed in individual(s) with clinical features of primary ciliary dyskinesia (PMID: 19357118). ClinVar contains an entry for this variant (Variation ID: 1344889). For these reasons, this variant has been classified as Pathogenic.

Dasa
Classification: Pathogenic for Primary ciliary dyskinesia 3. Last evaluated: 2022-03-05. Review status: criteria provided, single submitter. Criteria: ACMG Guidelines, 2015. Collection method: clinical testing. Allele origin: germline. Affected: yes. Observed: 1 variant allele.
Comment: The c.12397G>T;p.(Glu4133*) variant creates a premature translational stop signal in the DNAH5 gene. It is expected to result in an absent or disrupted protein product - PVS1. This sequence change has been observed in affected individual(s) and ClinVar contains an entry for this variant (PMID:19357118) - PS4_supporting. This variant is not present in population databases (rs376372961- gnomAD; ABraOM no frequency) - PM2. In summary, the currently available evidence indicates that the variant is pathogenic

Literature cited by the submitters: PubMed 11788826 (cited by Labcorp Genetics (formerly Invitae), Labcorp); PubMed 16627867 (cited by Labcorp Genetics (formerly Invitae), Labcorp); PubMed 19357118 (cited by Labcorp Genetics (formerly Invitae), Labcorp and Dasa).

NM_001369.3(DNAH5):c.12397G>T (p.Glu4133Ter)

Gene: DNAH5 (dynein axonemal heavy chain 5; minus strand). Cytogenetic location: 5p15.2.
Variant type: single nucleotide variant.
Coding change: c.12397G>T on transcript NM_001369.3 (MANE Select); coding-DNA position 12397, G replaced by T.
Protein change: p.Glu4133Ter; replaces glutamic acid 4133 with a stop codon.
Molecular consequence: nonsense.
Genome position (GRCh38, 1-based): chr5:13,718,984, C>A on the plus strand (G>T on the coding strand, the complement: DNAH5 is on the minus strand). VCF-style: chr5-13718984-C-A. GRCh37 (hg19) VCF-style: chr5-13719093-C-A.
Other names: short protein forms E4133*.
Identifiers: ClinVar variation 1344889 (VCV001344889.10), dbSNP rs376372961, ClinGen allele CA359210417.